The following is an entry in ClinVar:

NM_001395413.1(POR):c.1239+1G>C

Gene: POR (cytochrome p450 oxidoreductase; plus strand). Cytogenetic location: 7q11.23.
Variant type: single nucleotide variant.
Coding change: c.1239+1G>C on transcript NM_001395413.1 (MANE Select); the canonical splice donor site of the intron after coding-DNA position 1239, G replaced by C.
Molecular consequence: splice donor variant.
Genome position (GRCh38, 1-based): chr7:75,984,959, G>C. VCF-style: chr7-75984959-G-C. GRCh37 (hg19) VCF-style: chr7-75614277-G-C.
Other names: c.1239+1G>C (NM_001382662.3, NM_001382659.3, NM_001367562.3 and 2 more transcripts); c.1293+1G>C (NM_001382655.3).
Identifiers: ClinVar variation 1490090 (VCV001490090.6), dbSNP rs782168868, ClinGen allele CA367749548.
Genomic context (GRCh38, chr7:75,984,959, plus strand): 5'-TCGGAGCCCTCGGAGCAGGAGCTGCTGCGCAAGATGGCCTCCTCCTCCGGCGAGGGCAAG[G>C]TGCGCCCCCTCAGCCCCCGCAACCTCCGCCCCGTCACCCCGCCGTTTTCCGAGCTCCGTG-3'

ClinVar aggregate classification (germline): Likely pathogenic (1 of 4 stars; one submission).

Conditions:
Congenital adrenal hyperplasia due to cytochrome P450 oxidoreductase deficiency. Also called: DISORDERED STEROIDOGENESIS DUE TO POR DEFICIENCY. Identifiers: Orphanet 95699, MedGen C1860042, MONDO:0013310, OMIM 613571.

Submission:

Labcorp Genetics (formerly Invitae), Labcorp
Classification: Likely pathogenic for Congenital adrenal hyperplasia due to cytochrome P450 oxidoreductase deficiency. Last evaluated: 2021-10-21. Review status: criteria provided, single submitter. Criteria: Invitae Variant Classification Sherloc (09022015). Collection method: clinical testing. Allele origin: germline.
Comment: This sequence change affects a donor splice site in intron 11 of the POR gene. It is expected to disrupt RNA splicing. Variants that disrupt the donor or acceptor splice site typically lead to a loss of protein function (PMID: 16199547), and loss-of-function variants in POR are known to be pathogenic (PMID: 14758361, 20732302, 21741353). This variant is not present in population databases (gnomAD no frequency). This variant has not been reported in the literature in individuals affected with POR-related conditions. Algorithms developed to predict the effect of sequence changes on RNA splicing suggest that this variant may disrupt the consensus splice site. In summary, the currently available evidence indicates that the variant is pathogenic, but additional data are needed to prove that conclusively. Therefore, this variant has been classified as Likely Pathogenic.

Literature cited by the submitters: PubMed 16199547; PubMed 14758361; PubMed 20732302; PubMed 21741353.